The following is an entry in ClinVar:

ClinVar aggregate classification (germline): Uncertain significance (1 of 4 stars; one submission).

Conditions:
Cardiovascular phenotype. Identifiers: MedGen CN230736.

Submission:

Ambry Genetics
Classification: Uncertain significance for Cardiovascular phenotype. Last evaluated: 2025-08-31. Review status: criteria provided, single submitter. Criteria: Ambry Variant Classification Scheme 2023. Collection method: clinical testing. Allele origin: germline.
Comment: The p.T615I variant (also known as c.1844C>T), located in coding exon 11 of the CBL gene, results from a C to T substitution at nucleotide position 1844. The threonine at codon 615 is replaced by isoleucine, an amino acid with similar properties. This amino acid position is conserved. In addition, this alteration is predicted to be tolerated by in silico analysis. Based on the available evidence, the clinical significance of this variant remains unclear.

NM_005188.4(CBL):c.1844C>T (p.Thr615Ile)

Gene: CBL (Cbl proto-oncogene; plus strand). Cytogenetic location: 11q23.3.
Variant type: single nucleotide variant.
Coding change: c.1844C>T on transcript NM_005188.4 (MANE Select); coding-DNA position 1844, C replaced by T.
Protein change: p.Thr615Ile; replaces threonine 615 with isoleucine.
Molecular consequence: missense variant.
Genome position (GRCh38, 1-based): chr11:119,285,469, C>T. VCF-style: chr11-119285469-C-T. GRCh37 (hg19) VCF-style: chr11-119156179-C-T.
Other names: short protein forms T615I.
Identifiers: ClinVar variation 4219920 (VCV004219920.1).
Genomic context (GRCh38, chr11:119,285,469, plus strand): 5'-TCCCCAAAGTACCAGTATCTGCCCCAAGTTCCAGTGATCCCTGGACAGGAAGAGAATTAA[C>T]CAACCGGCACTCACTTCCATTTTCATTGCCCTCACAAATGGAGCCCAGACCAGATGTGCC-3'
Protein context (NP_005179.2, residues 605-625): SSDPWTGREL[Thr615Ile]NRHSLPFSLP